The following is an entry in ClinVar:

NM_000553.6(WRN):c.2936T>C (p.Ile979Thr)

Gene: WRN (WRN RecQ like helicase; plus strand). Cytogenetic location: 8p12.
Variant type: single nucleotide variant.
Coding change: c.2936T>C on transcript NM_000553.6 (MANE Select); coding-DNA position 2936, T replaced by C.
Protein change: p.Ile979Thr; replaces isoleucine 979 with threonine.
Molecular consequence: missense variant.
Genome position (GRCh38, 1-based): chr8:31,132,475, T>C. VCF-style: chr8-31132475-T-C. GRCh37 (hg19) VCF-style: chr8-30989991-T-C.
Other names: short protein forms I979T.
Identifiers: ClinVar variation 1428018 (VCV001428018.7), dbSNP rs775356894, ClinGen allele CA370919192.

ClinVar aggregate classification (germline): Uncertain significance. Review status: criteria provided, multiple submitters, no conflicts (2 of 4 stars). 2 submissions from 2 submitters: Uncertain significance (2). Last evaluated 2024-05-01.

Conditions:
Werner syndrome (WRN). Identifiers: Orphanet 902, MedGen C0043119, MONDO:0010196, OMIM 277700.

Submissions (2):

Fulgent Genetics
Classification: Uncertain significance for Werner syndrome. Last evaluated: 2024-05-01. Review status: criteria provided, single submitter. Criteria: ACMG Guidelines, 2015. Collection method: clinical testing. Allele origin: germline.

Labcorp Genetics (formerly Invitae), Labcorp
Classification: Uncertain significance for Werner syndrome. Last evaluated: 2021-03-02. Review status: criteria provided, single submitter. Criteria: Invitae Variant Classification Sherloc (09022015). Collection method: clinical testing. Allele origin: germline.
Comment: In summary, the available evidence is currently insufficient to determine the role of this variant in disease. Therefore, it has been classified as a Variant of Uncertain Significance. Algorithms developed to predict the effect of missense changes on protein structure and function are either unavailable or do not agree on the potential impact of this missense change (SIFT: "Not Available"; PolyPhen-2: "Benign"; Align-GVGD: "Not Available"). This variant has not been reported in the literature in individuals with WRN-related conditions. This variant is not present in population databases (ExAC no frequency). This sequence change replaces isoleucine with threonine at codon 979 of the WRN protein (p.Ile979Thr). The isoleucine residue is highly conserved and there is a moderate physicochemical difference between isoleucine and threonine.